The following is an entry in ClinVar:

ClinVar aggregate classification (germline): Uncertain significance (1 of 4 stars; one submission).

Conditions:
Primary familial hypertrophic cardiomyopathy (HCM). Identifiers: Orphanet 99739, MedGen C0949658, MeSH D024741, MONDO:0024573. Inheritance: Various modes of inheritance.
Dilated cardiomyopathy 1AA (CMD1AA). Also called: CARDIOMYOPATHY, FAMILIAL HYPERTROPHIC, 23, WITH OR WITHOUT LEFT VENTRICULAR NONCOMPACTION; CARDIOMYOPATHY, DILATED, 1AA, WITH OR WITHOUT LEFT VENTRICULAR NONCOMPACTION; Cardiomyopathy, dilated, 1AA, with or without LVNC. Identifiers: Orphanet 154, MedGen C2677338, MONDO:0012808, OMIM 612158.

Allele frequency attached by ClinVar (database versions not stated): gnomAD exomes 0.00001; gnomAD 0.00002 and 0.00003; TOPMed 0.00002.
gnomAD v4.1: 29 of 1,613,536 alleles (0.0018%); highest among the groups gnomAD compares: African/African-American, 0.0027%; no homozygotes.

Submission:

Labcorp Genetics (formerly Invitae), Labcorp
Classification: Uncertain significance for Primary familial hypertrophic cardiomyopathy; Dilated cardiomyopathy 1AA. Last evaluated: 2025-09-16. Review status: criteria provided, single submitter. Criteria: Invitae Variant Classification Sherloc (09022015). Collection method: clinical testing. Allele origin: germline.
Comment: This sequence change replaces glycine, which is neutral and non-polar, with serine, which is neutral and polar, at codon 786 of the ACTN2 protein (p.Gly786Ser). This variant is present in population databases (no rsID available, gnomAD 0.002%). This missense change has been observed in individual(s) with sudden unexplained death (PMID: 27114410). ClinVar contains an entry for this variant (Variation ID: 648902). An algorithm developed to predict the effect of missense changes on protein structure and function (PolyPhen-2) suggests that this variant is likely to be disruptive. In summary, the available evidence is currently insufficient to determine the role of this variant in disease. Therefore, it has been classified as a Variant of Uncertain Significance.

Literature cited by the submitters: PubMed 27114410.

NM_001103.4(ACTN2):c.2356G>A (p.Gly786Ser)

Gene: ACTN2 (actinin alpha 2; plus strand). Cytogenetic location: 1q43.
Variant type: single nucleotide variant.
Coding change: c.2356G>A on transcript NM_001103.4 (MANE Select); coding-DNA position 2356, G replaced by A.
Protein change: p.Gly786Ser; replaces glycine 786 with serine.
Molecular consequence: missense variant.
Genome position (GRCh38, 1-based): chr1:236,759,778, G>A. VCF-style: chr1-236759778-G-A. GRCh37 (hg19) VCF-style: chr1-236923078-G-A.
Other names: c.2356G>A, p.Gly786Ser (NM_001278343.2); c.1732G>A, p.Gly578Ser (NM_001278344.2); short protein forms G578S, G786S.
Identifiers: ClinVar variation 648902 (VCV000648902.11), dbSNP rs1012982310, ClinGen allele CA39745565.